The following is an entry in ClinVar:

ClinVar aggregate classification (germline): Uncertain significance. Review status: criteria provided, multiple submitters, no conflicts (2 of 4 stars). 2 submissions from 2 submitters: Uncertain significance (2). Last evaluated 2022-12-07.

Conditions:
TMEM147-related disorder. Also called: TMEM147-related condition.

Allele frequency attached by ClinVar (database versions not stated): gnomAD exomes 0.00001; TOPMed below 0.00001; gnomAD 0.00001.
gnomAD v4.1: 9 of 1,613,860 alleles (0.00056%); highest among the groups gnomAD compares: Admixed American, 0.005%; no homozygotes.

Submissions (2):

PreventionGenetics, part of Exact Sciences
Classification: Uncertain significance for TMEM147-related condition. Last evaluated: 2022-12-07. Review status: criteria provided, single submitter. Criteria: ACMG Guidelines, 2015. Collection method: clinical testing. Allele origin: germline.
Comment: The TMEM147 c.601C>T variant is predicted to result in premature protein termination (p.Arg201*). This variant occurs within the terminal exon of TMEM147. To our knowledge, this variant has not been reported in the literature. This variant is reported in 0.0056% of alleles in individuals of Latino descent in gnomAD. Loss of function variants have been documented in patients with TMEM147-related disorder; however, all variants have been reported upstream of amino acid 201 (Thomas et al. 2022. PubMed ID: 36044892). Although we suspect that this variant may be pathogenic, at this time, the clinical significance of this variant is uncertain due to the absence of conclusive functional and genetic evidence.

GeneDx
Classification: Uncertain significance. Last evaluated: 2022-09-15. Review status: criteria provided, single submitter. Criteria: GeneDx Variant Classification Process June 2021. Collection method: clinical testing. Allele origin: germline. Affected: yes.
Comment: Nonsense variant predicted to result in protein truncation in a gene or region of a gene for which loss of function is not a well-established mechanism of disease; Has not been previously published as pathogenic or benign to our knowledge; Variants in candidate genes are classified as variants of uncertain significance in accordance with ACMG guidelines (Richards et al., 2015)

NM_032635.4(TMEM147):c.601C>T (p.Arg201Ter)

Gene: TMEM147 (transmembrane protein 147; plus strand). Cytogenetic location: 19q13.12.
Variant type: single nucleotide variant.
Coding change: c.601C>T on transcript NM_032635.4 (MANE Select); coding-DNA position 601, C replaced by T.
Protein change: p.Arg201Ter; replaces arginine 201 with a stop codon.
Molecular consequence: nonsense.
Genome position (GRCh38, 1-based): chr19:35,547,373, C>T. VCF-style: chr19-35547373-C-T. GRCh37 (hg19) VCF-style: chr19-36038275-C-T.
Other names: c.454C>T, p.Arg152Ter (NM_001242597.2); c.379C>T, p.Arg127Ter (NM_001242598.2); short protein forms R127*, R152*, R201*.
Identifiers: ClinVar variation 2579524 (VCV002579524.2), dbSNP rs1461245101, ClinGen allele CA405367009.